The following is an entry in ClinVar:

ClinVar aggregate classification (germline): Uncertain significance (1 of 4 stars; one submission).

Submission:

Ambry Genetics
Classification: Uncertain significance. Last evaluated: 2026-03-03. Review status: criteria provided, single submitter. Criteria: Ambry Variant Classification Scheme 2023. Collection method: clinical testing. Allele origin: germline.
Comment: The p.E157K variant (also known as c.469G>A), located in coding exon 5 of the RAD51B gene, results from a G to A substitution at nucleotide position 469. The glutamic acid at codon 157 is replaced by lysine, an amino acid with similar properties. This amino acid position is conserved. In addition, this alteration is predicted to be tolerated by in silico analysis. Based on the available evidence, the clinical significance of this variant remains unclear.

NM_133510.4(RAD51B):c.469G>A (p.Glu157Lys)

Gene: RAD51B (RAD51 paralog B; plus strand). Cytogenetic location: 14q24.1.
Variant type: single nucleotide variant.
Coding change: c.469G>A on transcript NM_133510.4 (MANE Select); coding-DNA position 469, G replaced by A.
Protein change: p.Glu157Lys; replaces glutamic acid 157 with lysine.
Molecular consequence: missense variant.
Genome position (GRCh38, 1-based): chr14:67,885,885, G>A. VCF-style: chr14-67885885-G-A. GRCh37 (hg19) VCF-style: chr14-68352602-G-A.
Other names: c.469G>A, p.Glu157Lys (NM_001321819.1, NM_001321821.2, NM_002877.6 and 6 more transcripts); c.355G>A, p.Glu119Lys (NM_001321815.1); c.112G>A, p.Glu38Lys (NM_001321817.2); short protein forms E38K, E157K, E119K.
Identifiers: ClinVar variation 4826666 (VCV004826666.1).
Genomic context (GRCh38, chr14:67,885,885, plus strand): 5'-GTAGAATTGACTGTTTTCGTTTGTGCTATTTTTTTCACCCACAGACTGGTTGAAATAGCA[G>A]AATCCCGTTTTCCCAGATATTTTAACACTGAAGAAAAGTTACTTTTGACAAGTAGTAAAG-3'
Protein context (NP_598194.1, residues 147-167): FSAERLVEIA[Glu157Lys]SRFPRYFNTE